The following is an entry in ClinVar:

NM_014251.3(SLC25A13):c.1275G>A (p.Ser425=)

Gene: SLC25A13 (solute carrier family 25 member 13; minus strand). Cytogenetic location: 7q21.3.
Variant type: single nucleotide variant.
Coding change: c.1275G>A on transcript NM_014251.3 (MANE Select); coding-DNA position 1275, G replaced by A.
Protein change: p.Ser425=; no amino-acid change (serine 425 retained).
Molecular consequence: synonymous variant. On other transcripts: non-coding transcript variant (1).
Genome position (GRCh38, 1-based): chr7:96,170,081, C>T on the plus strand (G>A on the coding strand, the complement: SLC25A13 is on the minus strand). VCF-style: chr7-96170081-C-T. GRCh37 (hg19) VCF-style: chr7-95799393-C-T.
Other names: c.1278G>A, p.Ser426= (NM_001160210.2).
Identifiers: ClinVar variation 361018 (VCV000361018.44), dbSNP rs376416252, ClinGen allele CA4352975.

ClinVar aggregate classification (germline): Conflicting classifications of pathogenicity. Review status: criteria provided, conflicting classifications (1 of 4 stars). 7 submissions from 7 submitters: Uncertain significance (3); Likely benign (2). 2 of the submissions do not count toward it. Last evaluated 2026-01-20.

Conditions:
SLC25A13-related disorder. Also called: SLC25A13-related condition.
Citrin deficiency. Identifiers: Orphanet 247582, MedGen C1997910, MONDO:0016602.
Adult-onset citrullinemia type I. Also called: Late-onset citrullinemia. Identifiers: Orphanet 247573, MedGen C0268546, MONDO:0016601.
Citrullinemia type II. Also called: Citrullinemia Type II (CTLN2). Identifiers: Orphanet 247585, MedGen C1863844, MONDO:0016603.
Neonatal intrahepatic cholestasis due to citrin deficiency (CDNI). Also called: CITRIN DEFICIENCY, NEONATAL OR INFANTILE ONSET; Neonatal Intrahepatic Cholestasis Caused by Citrin Deficiency (NICCD); Neonatal-onset citrullinemia type II; Neonatal-onset citrullinemia type 2. Identifiers: Orphanet 247598, MedGen C1853942, MONDO:0011601, OMIM 605814.

Allele frequency attached by ClinVar (database versions not stated): ESP Exome Variant Server 0.00008; ExAC 0.00009; gnomAD exomes 0.00009; gnomAD 0.00013 and 0.00014; TOPMed 0.00013.

Submissions (7):

Labcorp Genetics (formerly Invitae), Labcorp
Classification: Likely benign for Citrin deficiency. Last evaluated: 2026-01-20. Review status: criteria provided, single submitter. Criteria: Invitae Variant Classification Sherloc (09022015). Collection method: clinical testing. Allele origin: germline.

CeGaT Center for Human Genetics Tuebingen
Classification: Likely benign. Last evaluated: 2024-05-01. Review status: criteria provided, single submitter. Criteria: CeGaT Center For Human Genetics Tuebingen Variant Classification Criteria Version 2. Collection method: clinical testing. Allele origin: germline. Affected: yes. Observed: 1 variant allele.
Comment: SLC25A13: BP4, BP7

Genome-Nilou Lab
Classification: Uncertain significance for Neonatal intrahepatic cholestasis due to citrin deficiency. Last evaluated: 2021-05-18. Review status: criteria provided, single submitter. Criteria: ACMG Guidelines, 2015. Collection method: clinical testing. Allele origin: germline. Affected: no.

Eurofins Ntd Llc (ga)
Classification: Uncertain significance. Last evaluated: 2018-06-27. Review status: criteria provided, single submitter. Criteria: EGL ClinVar v180209 classification definitions. Collection method: clinical testing. Allele origin: germline. Observed: 3 variant alleles, 3 heterozygotes.

Illumina Laboratory Services, Illumina
Classification: Uncertain significance for Citrullinemia, type II, adult-onset. Last evaluated: 2018-01-13. Review status: criteria provided, single submitter. Criteria: ICSL Variant Classification Criteria 13 December 2019. Collection method: clinical testing. Allele origin: germline.

PreventionGenetics, part of Exact Sciences
Classification: Likely benign for SLC25A13-related condition. Last evaluated: 2021-10-19. Review status: no assertion criteria provided. Collection method: clinical testing. Allele origin: germline. Not counted in ClinVar's aggregate classification.
Comment: This variant is classified as likely benign based on ACMG/AMP sequence variant interpretation guidelines (Richards et al. 2015 PMID: 25741868, with internal and published modifications).

Natera, Inc.
Classification: Uncertain significance for Late-onset citrullinemia. Last evaluated: 2019-11-11. Review status: no assertion criteria provided. Collection method: clinical testing. Allele origin: germline. Not counted in ClinVar's aggregate classification.